The following is an entry in ClinVar:

ClinVar aggregate classification (germline): Conflicting classifications of pathogenicity. Review status: criteria provided, conflicting classifications (1 of 4 stars). 4 submissions from 4 submitters: Likely pathogenic (1); Uncertain significance (3). Last evaluated 2025-10-18.

Conditions:
Inborn genetic diseases. Identifiers: MedGen C0950123, MeSH D030342.
Autosomal recessive nonsyndromic hearing loss 21. Identifiers: Orphanet 90636, MedGen C1863655, MONDO:0011351, OMIM 603629.

Allele frequency attached by ClinVar (database versions not stated): TOPMed 0.00003; gnomAD exomes 0.00005; ExAC 0.00006; gnomAD 0.00007.
gnomAD v4.1: 81 of 1,614,104 alleles (0.005%); highest among the groups gnomAD compares: South Asian, 0.016%; 1 homozygote.

Submissions (4):

Ambry Genetics
Classification: Uncertain significance for Inborn genetic diseases. Last evaluated: 2025-10-18. Review status: criteria provided, single submitter. Criteria: Ambry Variant Classification Scheme 2023. Collection method: clinical testing. Allele origin: germline.

Genomic Medicine Center of Excellence, King Faisal Specialist Hospital and Research Centre
Classification: Likely pathogenic for Autosomal recessive nonsyndromic hearing loss 21. Last evaluated: 2024-12-19. Review status: criteria provided, single submitter. Criteria: ACMG Guidelines, 2015. Collection method: clinical testing. Allele origin: germline.

Labcorp Genetics (formerly Invitae), Labcorp
Classification: Uncertain significance. Last evaluated: 2024-03-14. Review status: criteria provided, single submitter. Criteria: Invitae Variant Classification Sherloc (09022015). Collection method: clinical testing. Allele origin: germline.
Comment: This sequence change replaces valine, which is neutral and non-polar, with isoleucine, which is neutral and non-polar, at codon 2026 of the TECTA protein (p.Val2026Ile). This variant is present in population databases (rs765995024, gnomAD 0.03%). This variant has not been reported in the literature in individuals affected with TECTA-related conditions. ClinVar contains an entry for this variant (Variation ID: 1806638). Advanced modeling of protein sequence and biophysical properties (such as structural, functional, and spatial information, amino acid conservation, physicochemical variation, residue mobility, and thermodynamic stability) has been performed at Invitae for this missense variant, however the output from this modeling did not meet the statistical confidence thresholds required to predict the impact of this variant on TECTA protein function. In summary, the available evidence is currently insufficient to determine the role of this variant in disease. Therefore, it has been classified as a Variant of Uncertain Significance.

GeneDx
Classification: Uncertain significance. Last evaluated: 2022-12-21. Review status: criteria provided, single submitter. Criteria: GeneDx Variant Classification Process June 2021. Collection method: clinical testing. Allele origin: germline. Affected: yes.
Comment: In silico analysis supports that this missense variant does not alter protein structure/function; Has not been previously published as pathogenic or benign to our knowledge; This variant is associated with the following publications: (PMID: 21520338, 31554319, 9590290, 16718611)

NM_005422.4(TECTA):c.6076G>A (p.Val2026Ile)

Genes: TECTA (tectorin alpha; plus strand), TBCEL-TECTA (TBCEL-TECTA readthrough; plus strand). Cytogenetic location: 11q23.3.
Variant type: single nucleotide variant.
Coding change: c.6076G>A on transcript NM_005422.4 (MANE Select); coding-DNA position 6076, G replaced by A.
Protein change: p.Val2026Ile; replaces valine 2026 with isoleucine.
Molecular consequence: missense variant.
Genome position (GRCh38, 1-based): chr11:121,187,908, G>A. VCF-style: chr11-121187908-G-A. GRCh37 (hg19) VCF-style: chr11-121058617-G-A.
Other names: c.7018G>A, p.Val2340Ile (NM_001378761.1); short protein forms V2026I, V2340I.
Identifiers: ClinVar variation 1806638 (VCV001806638.6), dbSNP rs765995024, ClinGen allele CA6327878.